The following is an entry in ClinVar:

NM_001127222.2(CACNA1A):c.5044T>A (p.Trp1682Arg)

Gene: CACNA1A (calcium voltage-gated channel subunit alpha1 A; minus strand). Cytogenetic location: 19p13.13.
Variant type: single nucleotide variant.
Coding change: c.5044T>A on transcript NM_001127222.2 (MANE Select); coding-DNA position 5044, T replaced by A.
Protein change: p.Trp1682Arg; replaces tryptophan 1682 with arginine.
Molecular consequence: missense variant.
Genome position (GRCh38, 1-based): chr19:13,235,637, A>T on the plus strand (T>A on the coding strand, the complement: CACNA1A is on the minus strand). VCF-style: chr19-13235637-A-T. GRCh37 (hg19) VCF-style: chr19-13346451-A-T.
Other names: c.5062T>A, p.Trp1688Arg (NM_000068.4, NM_023035.3); c.5047T>A, p.Trp1683Arg (NM_001127221.2); c.5053T>A, p.Trp1685Arg (NM_001174080.2); short protein forms W1685R, W1688R, W1683R, W1682R.
Identifiers: ClinVar variation 4789717 (VCV004789717.1).

ClinVar aggregate classification (germline): Uncertain significance (1 of 4 stars; one submission).

Conditions:
Episodic ataxia type 2 (EA2). Also called: ACETAZOLAMIDE-RESPONSIVE HEREDITARY PAROXYSMAL CEREBELLAR ATAXIA; ATAXIA, EPISODIC, WITH NYSTAGMUS; ATAXIA, FAMILIAL PAROXYSMAL; CEREBELLAR ATAXIA, PAROXYSMAL, ACETAZOLAMIDE-RESPONSIVE; CEREBELLOPATHY, HEREDITARY PAROXYSMAL; EPISODIC ATAXIA, NYSTAGMUS-ASSOCIATED. Identifiers: Orphanet 97, MedGen C1720416, MONDO:0007163, OMIM 108500.
Developmental and epileptic encephalopathy, 42 (DEE42A). Also called: Epileptic encephalopathy, early infantile, 42; DEVELOPMENTAL AND EPILEPTIC ENCEPHALOPATHY 42A; EPILEPTIC ENCEPHALOPATHY, EARLY INFANTILE, 42A. Identifiers: MedGen C4310716, MONDO:0014917, OMIM 617106.

Submission:

Labcorp Genetics (formerly Invitae), Labcorp
Classification: Uncertain significance for Developmental and epileptic encephalopathy, 42; Episodic ataxia type 2. Last evaluated: 2025-04-17. Review status: criteria provided, single submitter. Criteria: Invitae Variant Classification Sherloc (09022015). Collection method: clinical testing. Allele origin: germline.
Comment: This sequence change replaces tryptophan, which is neutral and slightly polar, with arginine, which is basic and polar, at codon 1683 of the CACNA1A protein (p.Trp1683Arg). This variant is not present in population databases (gnomAD no frequency). This missense change has been observed in individual(s) with familial hemiplegic migraine (PMID: 11439943, 35571021). This variant is also known as W1684R, p.W1688R. Invitae Evidence Modeling of protein sequence and biophysical properties (such as structural, functional, and spatial information, amino acid conservation, physicochemical variation, residue mobility, and thermodynamic stability) indicates that this missense variant is expected to disrupt CACNA1A protein function with a positive predictive value of 95%. Experimental studies have shown that this missense change affects CACNA1A function (PMID: 2549042). In summary, the available evidence is currently insufficient to determine the role of this variant in disease. Therefore, it has been classified as a Variant of Uncertain Significance.

Literature cited by the submitters: PubMed 11439943; PubMed 35571021; PubMed 2549042.